The following is an entry in ClinVar:

NC_000005.9:g.(?_131726362)_(131729964_?)dup

Gene: SLC22A5 (solute carrier family 22 member 5; plus strand). Cytogenetic location: 5q31.1.
Variant type: Duplication.
Identifiers: ClinVar variation 2424618 (VCV002424618.3).

ClinVar aggregate classification (germline): Uncertain significance (1 of 4 stars; one submission).

Conditions:
Renal carnitine transport defect (CDSP). Also called: Primary carnitine deficiency; Systemic primary carnitine deficiency; CARNITINE DEFICIENCY, SYSTEMIC, DUE TO DEFECT IN RENAL REABSORPTION OF CARNITINE; CARNITINE TRANSPORTER, PLASMA-MEMBRANE, DEFICIENCY OF; CARNITINE UPTAKE DEFECT; Carnitine transporter deficiency. Identifiers: Orphanet 158, MedGen C0342788, MONDO:0008919, OMIM 212140.

Submission:

Labcorp Genetics (formerly Invitae), Labcorp
Classification: Uncertain significance for Renal carnitine transport defect. Last evaluated: 2022-04-28. Review status: criteria provided, single submitter. Criteria: Invitae Variant Classification Sherloc (09022015). Collection method: clinical testing. Allele origin: germline.
Comment: This variant results in a copy number gain of the genomic region encompassing exon(s) 7-10 of the SLC22A5 gene. This region includes the termination codon of the gene. This copy number gain extends beyond the assayed region for this gene and therefore may encompass additional genes. As the precise location of this event is unknown, it may be in tandem or it may be located elsewhere in the genome. This variant has not been reported in the literature in individuals affected with SLC22A5-related conditions. Experimental studies and prediction algorithms are not available or were not evaluated, and the functional significance of this variant is currently unknown. In summary, the available evidence is currently insufficient to determine the role of this variant in disease. Therefore, it has been classified as a Variant of Uncertain Significance.